The following is an entry in ClinVar:

ClinVar aggregate classification (germline): Pathogenic (1 of 4 stars; one submission).

Conditions:
Bardet-Biedl syndrome (BBS). Identifiers: Orphanet 110, MedGen C0752166, MONDO:0015229.

Submission:

Labcorp Genetics (formerly Invitae), Labcorp
Classification: Pathogenic for Bardet-Biedl syndrome. Last evaluated: 2023-07-14. Review status: criteria provided, single submitter. Criteria: Invitae Variant Classification Sherloc (09022015). Collection method: clinical testing. Allele origin: germline.
Comment: For these reasons, this variant has been classified as Pathogenic. This variant disrupts a region of the TRIM32 protein in which other variant(s) (p.Val591Met) have been determined to be pathogenic (PMID: 30823891). This suggests that this is a clinically significant region of the protein, and that variants that disrupt it are likely to be disease-causing. ClinVar contains an entry for this variant (Variation ID: 581880). This premature translational stop signal has been observed in individual(s) with clinical features of limb girdle myopathy (Invitae). This variant is not present in population databases (gnomAD no frequency). This sequence change creates a premature translational stop signal (p.Gly562Valfs*61) in the TRIM32 gene. While this is not anticipated to result in nonsense mediated decay, it is expected to disrupt the last 92 amino acid(s) of the TRIM32 protein.

Literature cited by the submitters: PubMed 30823891.

NM_012210.4(TRIM32):c.1685del (p.Gly562fs)

Genes: ASTN2 (astrotactin 2; minus strand), TRIM32 (tripartite motif containing 32; plus strand). Cytogenetic location: 9q33.1.
Variant type: Deletion.
Coding change: c.1685del on transcript NM_012210.4 (MANE Select); coding-DNA position 1685, one base deleted (G; older notation c.1685delG).
Protein change: p.Gly562fs; shifts the reading frame from glycine 562.
Molecular consequence: frameshift variant. On other transcripts: intron variant (3).
Genome position (GRCh38, 1-based): chr9:116,699,427, G deleted; the last of 3 consecutive G bases (chr9:116,699,425-116,699,427); deleting any one gives the same sequence. VCF-style (leftmost placement, unchanged base first): chr9-116699424-TG-T. GRCh37 (hg19) VCF-style: chr9-119461703-TG-T.
Other names: c.1685del, p.Gly562fs (NM_001099679.2, NM_001379048.1, NM_001379049.1 and 1 more transcripts); c.2653+26346del (NM_014010.5); c.2794+26346del (NM_001365069.1); c.2806+26346del (NM_001365068.1); short protein forms G562fs.
Identifiers: ClinVar variation 581880 (VCV000581880.8), dbSNP rs1564218190, ClinGen allele CA891843432.